The following is an entry in ClinVar:

NM_001098511.3(KIF2A):c.454C>T (p.Pro152Ser)

Gene: KIF2A (kinesin family member 2A; plus strand). Cytogenetic location: 5q12.1.
Variant type: single nucleotide variant.
Coding change: c.454C>T on transcript NM_001098511.3 (MANE Select); coding-DNA position 454, C replaced by T.
Protein change: p.Pro152Ser; replaces proline 152 with serine.
Molecular consequence: missense variant. On other transcripts: intron variant (1).
Genome position (GRCh38, 1-based): chr5:62,352,707, C>T. VCF-style: chr5-62352707-C-T. GRCh37 (hg19) VCF-style: chr5-61648534-C-T.
Other names: c.373C>T, p.Pro125Ser (NM_001243952.2); c.454C>T, p.Pro152Ser (NM_004520.5); c.400+54C>T (NM_001243953.2); short protein forms P125S, P152S.
Identifiers: ClinVar variation 3234930 (VCV003234930.1), dbSNP rs759771074, ClinGen allele CA359949054.

ClinVar aggregate classification (germline): Uncertain significance (1 of 4 stars; one submission).

Conditions:
Complex cortical dysplasia with other brain malformations 3. Identifiers: MedGen C3809414, MONDO:0014170, OMIM 615411.

gnomAD v4.1: 1 of 1,609,684 alleles (0.000062%); highest among the groups gnomAD compares: South Asian, 0.0011%; no homozygotes.

Submission:

Neuberg Centre For Genomic Medicine, NCGM
Classification: Uncertain significance for Complex cortical dysplasia with other brain malformations 3. Review status: criteria provided, single submitter. Criteria: ACMG Guidelines, 2015. Collection method: clinical testing. Allele origin: germline. Inheritance: Autosomal dominant inheritance. Affected: yes.
Comment: The missense c.454C>Tp.Pro152Ser variant in KIF2A gene has not been reported previously as a pathogenic variant nor a benign variant, to our knowledge. The p.Pro152Ser variant is novel not in any individuals in gnomAD Exomes and 1000 Genomes. This variant has not been reported to the ClinVar database. The amino acid change p.Pro152Ser in KIF2A is predicted as conserved by GERP++ and PhyloP across 100 vertebrates. The amino acid Pro at position 152 is changed to a Ser changing protein sequence and it might alter its composition and physico-chemical properties. For these reasons, this variant has been classified as a Variant of Uncertain Significance VUS.